The following is an entry in ClinVar:

ClinVar aggregate classification (germline): Pathogenic/Likely pathogenic. Review status: criteria provided, multiple submitters, no conflicts (2 of 4 stars). 2 submissions from 2 submitters: Pathogenic (1); Likely pathogenic (1). Last evaluated 2024-05-09.

Conditions:
Immunodeficiency 104. Also called: Severe combined immunodeficiency, autosomal recessive, T cell-negative, B cell-positive, NK cell-positive; SCID, AUTOSOMAL RECESSIVE, T CELL-NEGATIVE, B CELL-POSITIVE, NK CELL-POSITIVE; Severe Combined Immune Deficiency, Autosomal Recessive, TCell -Negative, B Cell-Positive, NK Cell-Positive, IL7R-Related; IMMUNODEFICIENCY 104, SEVERE COMBINED. Identifiers: MedGen C5676890, MONDO:0012163, OMIM 608971.

gnomAD v4.1: 5 of 1,609,832 alleles (0.00031%); highest among the groups gnomAD compares: Admixed American, 0.0033%; no homozygotes.

Submissions (2):

Fulgent Genetics
Classification: Likely pathogenic for Immunodeficiency 104. Last evaluated: 2024-05-09. Review status: criteria provided, single submitter. Criteria: ACMG Guidelines, 2015. Collection method: clinical testing. Allele origin: germline.

Labcorp Genetics (formerly Invitae), Labcorp
Classification: Pathogenic for Immunodeficiency 104. Last evaluated: 2024-02-29. Review status: criteria provided, single submitter. Criteria: Invitae Variant Classification Sherloc (09022015). Collection method: clinical testing. Allele origin: germline.
Comment: This sequence change creates a premature translational stop signal (p.Trp178*) in the IL7R gene. It is expected to result in an absent or disrupted protein product. Loss-of-function variants in IL7R are known to be pathogenic (PMID: 21664875, 26123418). This variant is present in population databases (rs754827305, gnomAD 0.003%). This variant has not been reported in the literature in individuals affected with IL7R-related conditions. For these reasons, this variant has been classified as Pathogenic.

Literature cited by the submitters: PubMed 21664875 (cited by Labcorp Genetics (formerly Invitae), Labcorp); PubMed 26123418 (cited by Labcorp Genetics (formerly Invitae), Labcorp).

NM_002185.5(IL7R):c.534G>A (p.Trp178Ter)

Gene: IL7R (interleukin 7 receptor; plus strand). Cytogenetic location: 5p13.2.
Variant type: single nucleotide variant.
Coding change: c.534G>A on transcript NM_002185.5 (MANE Select); coding-DNA position 534, G replaced by A.
Protein change: p.Trp178Ter; replaces tryptophan 178 with a stop codon.
Molecular consequence: nonsense. On other transcripts: non-coding transcript variant (1).
Genome position (GRCh38, 1-based): chr5:35,871,210, G>A. VCF-style: chr5-35871210-G-A. GRCh37 (hg19) VCF-style: chr5-35871312-G-A.
Other names: c.534G>A, p.Trp178Ter (NM_001410734.1); short protein forms W178*.
Identifiers: ClinVar variation 3592210 (VCV003592210.3).